The following is an entry in ClinVar:

ClinVar aggregate classification (germline): Uncertain significance (1 of 4 stars; one submission).

Submission:

Labcorp Genetics (formerly Invitae), Labcorp
Classification: Uncertain significance. Last evaluated: 2023-09-15. Review status: criteria provided, single submitter. Criteria: Invitae Variant Classification Sherloc (09022015). Collection method: clinical testing. Allele origin: germline.
Comment: In summary, the available evidence is currently insufficient to determine the role of this variant in disease. Therefore, it has been classified as a Variant of Uncertain Significance. Algorithms developed to predict the effect of missense changes on protein structure and function output the following: SIFT: "Not Available"; PolyPhen-2: "Possibly Damaging"; Align-GVGD: "Not Available". The histidine amino acid residue is found in multiple mammalian species, which suggests that this missense change does not adversely affect protein function. This variant has not been reported in the literature in individuals affected with CACNA1D-related conditions. This variant is not present in population databases (gnomAD no frequency). This sequence change replaces glutamine, which is neutral and polar, with histidine, which is basic and polar, at codon 1951 of the CACNA1D protein (p.Gln1951His).

NM_001128840.3(CACNA1D):c.5793G>C (p.Gln1931His)

Gene: CACNA1D (calcium voltage-gated channel subunit alpha1 D; plus strand). Cytogenetic location: 3p21.1.
Variant type: single nucleotide variant.
Coding change: c.5793G>C on transcript NM_001128840.3 (MANE Select); coding-DNA position 5793, G replaced by C.
Protein change: p.Gln1931His; replaces glutamine 1931 with histidine.
Molecular consequence: missense variant.
Genome position (GRCh38, 1-based): chr3:53,808,692, G>C. VCF-style: chr3-53808692-G-C. GRCh37 (hg19) VCF-style: chr3-53842719-G-C.
Other names: c.5853G>C, p.Gln1951His (NM_000720.4); c.5721G>C, p.Gln1907His (NM_001128839.3); short protein forms Q1907H, Q1951H, Q1931H.
Identifiers: ClinVar variation 2870120 (VCV002870120.3), dbSNP rs2095580092, ClinGen allele CA353255987.